The following is an entry in ClinVar:

ClinVar aggregate classification (germline): Conflicting classifications of pathogenicity. Review status: criteria provided, conflicting classifications (1 of 4 stars). 2 submissions from 2 submitters: Uncertain significance (1); Likely benign (1). Last evaluated 2025-09-15.

Conditions:
Mitochondrial DNA depletion syndrome 13. Also called: FBXL4-Related Encephalomyopathic Mitochondrial DNA Depletion Syndrome; Mitochondrial DNA depletion syndrome 13 (encephalomyopathic type). Identifiers: Orphanet 369897, MedGen C3809592, MONDO:0014198, OMIM 615471.

Allele frequency attached by ClinVar (database versions not stated): gnomAD exomes below 0.00001 and 0.00002; ExAC 0.00003; ESP Exome Variant Server 0.00008; gnomAD 0.00012; TOPMed 0.00016.
gnomAD v4.1: 24 of 1,613,962 alleles (0.0015%); highest among the groups gnomAD compares: Admixed American, 0.02%; no homozygotes.

Submissions (2):

Labcorp Genetics (formerly Invitae), Labcorp
Classification: Likely benign. Last evaluated: 2025-09-15. Review status: criteria provided, single submitter. Criteria: Invitae Variant Classification Sherloc (09022015). Collection method: clinical testing. Allele origin: germline.

Wong Mito Lab, Molecular and Human Genetics, Baylor College of Medicine
Classification: Uncertain significance for Mitochondrial DNA depletion syndrome 13. Last evaluated: 2017-08-10. Review status: criteria provided, single submitter. Criteria: ACMG Guidelines, 2015. Collection method: reference population. Allele origin: germline.
Comment: The NM_012160.4:c.735T>C (NP_036292.2:p.Asp245=) [GRCH38: NC_000006.12:g.98917497A>G] variant in FBXL4 gene is interpretated to be a Uncertain Significance - Conflicting Evidence based on ACMG guidelines (PMID: 25741868). This variant meets one or more of the following evidence codes reported in the ACMG-guideline. PM2:This variant is absent in key population databases. BP4:Computational evidence/predictors indicate no impact on the FBXL4 structure, function, or protein-protein interaction. BP7:The variant is silent with non predicted splice impact. Based on this evidence code ClinGen Pathogenicity Calculator (PMID:28081714) suggested that the variant is Uncertain Significance - Conflicting Evidence.

NM_001278716.2(FBXL4):c.735T>C (p.Asp245=)

Gene: FBXL4 (F-box and leucine rich repeat protein 4; minus strand). Cytogenetic location: 6q16.2.
Variant type: single nucleotide variant.
Coding change: c.735T>C on transcript NM_001278716.2 (MANE Select); coding-DNA position 735, T replaced by C.
Protein change: p.Asp245=; no amino-acid change (aspartic acid 245 retained).
Molecular consequence: synonymous variant.
Genome position (GRCh38, 1-based): chr6:98,917,497, A>G on the plus strand (T>C on the coding strand, the complement: FBXL4 is on the minus strand). VCF-style: chr6-98917497-A-G. GRCh37 (hg19) VCF-style: chr6-99365373-A-G.
Other names: c.735T>C, p.Asp245= (NM_012160.5).
Identifiers: ClinVar variation 437624 (VCV000437624.5), dbSNP rs369242693, ClinGen allele CA3933628.